The following is an entry in ClinVar:

ClinVar aggregate classification (germline): Uncertain significance (1 of 4 stars; one submission).

gnomAD v4.1: 5 of 1,551,092 alleles (0.00032%); highest among the groups gnomAD compares: Non-Finnish European, 0.00043%; no homozygotes.

Submission:

Labcorp Genetics (formerly Invitae), Labcorp
Classification: Uncertain significance. Last evaluated: 2022-04-25. Review status: criteria provided, single submitter. Criteria: Invitae Variant Classification Sherloc (09022015). Collection method: clinical testing. Allele origin: germline.
Comment: In summary, the available evidence is currently insufficient to determine the role of this variant in disease. Therefore, it has been classified as a Variant of Uncertain Significance. Advanced modeling of protein sequence and biophysical properties (such as structural, functional, and spatial information, amino acid conservation, physicochemical variation, residue mobility, and thermodynamic stability) performed at Invitae indicates that this missense variant is not expected to disrupt MYO7A protein function. This variant has not been reported in the literature in individuals affected with MYO7A-related conditions. The frequency data for this variant in the population databases is considered unreliable, as metrics indicate poor data quality at this position in the gnomAD database. This sequence change replaces leucine, which is neutral and non-polar, with glutamine, which is neutral and polar, at codon 800 of the MYO7A protein (p.Leu800Gln).

NM_000260.4(MYO7A):c.2399T>A (p.Leu800Gln)

Gene: MYO7A (myosin VIIA; plus strand). Cytogenetic location: 11q13.5.
Variant type: single nucleotide variant.
Coding change: c.2399T>A on transcript NM_000260.4 (MANE Select); coding-DNA position 2399, T replaced by A.
Protein change: p.Leu800Gln; replaces leucine 800 with glutamine.
Molecular consequence: missense variant.
Genome position (GRCh38, 1-based): chr11:77,179,766, T>A. VCF-style: chr11-77179766-T-A. GRCh37 (hg19) VCF-style: chr11-76890812-T-A.
Other names: c.2399T>A, p.Leu800Gln (NM_001127180.2); c.2366T>A, p.Leu789Gln (NM_001369365.1); short protein forms L789Q, L800Q.
Identifiers: ClinVar variation 2177850 (VCV002177850.4), dbSNP rs782080111, ClinGen allele CA6197832.
Genomic context (GRCh38, chr11:77,179,766, plus strand): 5'-CTCTGAGCATGGGGTGGCTGTCCTTGCAGATGCGTCTGGGCTTCCTGCGGCTGCAGGCCC[T>A]GCACCGCTCCCGGAAGCTGCACCAGCAGTACCGCCTGGCCCGCCAGCGCATCATCCAGTT-3'
Protein context (NP_000251.3, residues 790-810): MRLGFLRLQA[Leu800Gln]HRSRKLHQQY